The following is an entry in ClinVar:

ClinVar aggregate classification (germline): Uncertain significance. Review status: criteria provided, multiple submitters, no conflicts (2 of 4 stars). 2 submissions from 2 submitters: Uncertain significance (2). Last evaluated 2023-04-05.

Conditions:
Mucopolysaccharidosis, MPS-IV-A (MPS4A). Also called: Mucopolysaccharidosis type IV A; Mucopolysaccharidosis Type IVA; Morquio syndrome A, mild; MORQUIO SYNDROME A; MPS IVA; mucopolysaccharidosis type 4A. Identifiers: Orphanet 309297, Orphanet 582, MedGen C0086651, MONDO:0009659, OMIM 253000.

gnomAD v4.1: 1 of 1,612,036 alleles (0.000062%); highest among the groups gnomAD compares: Non-Finnish European, 0.000085%; no homozygotes.

Submissions (2):

Revvity Omics, Revvity
Classification: Uncertain significance for Mucopolysaccharidosis, MPS-IV-A. Last evaluated: 2023-04-05. Review status: criteria provided, single submitter. Criteria: ACMG Guidelines, 2015. Collection method: clinical testing. Allele origin: germline.

Laboratory of Diagnosis and Therapy of Lysosomal Disorders, University of Padova
Classification: Uncertain significance for Mucopolysaccharidosis, MPS-IV-A. Last evaluated: 2021-02-01. Review status: criteria provided, single submitter. Criteria: ACMG Guidelines, 2015. Collection method: curation. Allele origin: germline. Affected: yes.
Comment: Absent from gnomAD v2.1.1 (PM2_moderate); multiple lines of computational evidence support a deleterious effect on the gene (PP3_supporting)

Literature cited by the submitters: PubMed 28397226 (cited by Laboratory of Diagnosis and Therapy of Lysosomal Disorders, University of Padova); PubMed 34387910 (cited by Laboratory of Diagnosis and Therapy of Lysosomal Disorders, University of Padova).

NM_000512.5(GALNS):c.1094G>T (p.Gly365Val)

Gene: GALNS (galactosamine (N-acetyl)-6-sulfatase; minus strand). Cytogenetic location: 16q24.3.
Variant type: single nucleotide variant.
Coding change: c.1094G>T on transcript NM_000512.5 (MANE Select); coding-DNA position 1094, G replaced by T.
Protein change: p.Gly365Val; replaces glycine 365 with valine.
Molecular consequence: missense variant.
Genome position (GRCh38, 1-based): chr16:88,826,747, C>A on the plus strand (G>T on the coding strand, the complement: GALNS is on the minus strand). VCF-style: chr16-88826747-C-A. GRCh37 (hg19) VCF-style: chr16-88893155-C-A.
Other names: c.539G>T, p.Gly180Val (NM_001323543.2); c.1112G>T, p.Gly371Val (NM_001323544.2); short protein forms G180V, G365V, G371V.
Identifiers: ClinVar variation 1048493 (VCV001048493.5), dbSNP rs2142995782, ClinGen allele CA397098255.
Genomic context (GRCh38, chr16:88,826,747, plus strand): 5'-AGGTCTAGCACCAACCTGTCCATCAGCCGGCCCTGCAGGAGGGTGGGGAGGAGGTTGAGG[C>A]CATCAATGGCCCTGTCGCTGGGCGGCGTCAGGCCCGCAAGGGCCAGGCTGGTGGTGAAGA-3'
Protein context (NP_000503.1, residues 355-375): LTPPSDRAID[Gly365Val]LNLLPTLLQG